The following is an entry in ClinVar:

ClinVar aggregate classification (germline): Pathogenic (1 of 4 stars; one submission).

Conditions:
DICER1-related tumor predisposition. Also called: DICER1 syndrome; DICER1-related pleuropulmonary blastoma cancer predisposition syndrome. Identifiers: Orphanet 284343, MedGen C3839822, MONDO:0100216.

Allele frequency attached by ClinVar (database versions not stated): gnomAD exomes below 0.00001.

Submission:

Labcorp Genetics (formerly Invitae), Labcorp
Classification: Pathogenic for DICER1-related tumor predisposition. Last evaluated: 2024-11-05. Review status: criteria provided, single submitter. Criteria: Invitae Variant Classification Sherloc (09022015). Collection method: clinical testing. Allele origin: germline.
Comment: This sequence change creates a premature translational stop signal (p.Gln1580*) in the DICER1 gene. It is expected to result in an absent or disrupted protein product. Loss-of-function variants in DICER1 are known to be pathogenic (PMID: 19556464, 21266384). This variant is not present in population databases (gnomAD no frequency). This variant has not been reported in the literature in individuals affected with DICER1-related conditions. ClinVar contains an entry for this variant (Variation ID: 1442879). For these reasons, this variant has been classified as Pathogenic.

Literature cited by the submitters: PubMed 19556464; PubMed 21266384.

NM_177438.3(DICER1):c.4738C>T (p.Gln1580Ter)

Gene: DICER1 (dicer 1, ribonuclease III; minus strand). Cytogenetic location: 14q32.13.
Variant type: single nucleotide variant.
Coding change: c.4738C>T on transcript NM_177438.3 (MANE Select); coding-DNA position 4738, C replaced by T.
Protein change: p.Gln1580Ter; replaces glutamine 1580 with a stop codon.
Molecular consequence: nonsense.
Genome position (GRCh38, 1-based): chr14:95,096,182, G>A on the plus strand (C>T on the coding strand, the complement: DICER1 is on the minus strand). VCF-style: chr14-95096182-G-A. GRCh37 (hg19) VCF-style: chr14-95562519-G-A.
Other names: c.4738C>T, p.Gln1580Ter (NM_001195573.1, NM_001271282.3, NM_001291628.2 and 1 more transcripts); short protein forms Q1580*.
Identifiers: ClinVar variation 1442879 (VCV001442879.7), dbSNP rs2139844470, ClinGen allele CA390867377.